The following is an entry in ClinVar:

NM_004006.3(DMD):c.3074T>C (p.Ile1025Thr)

Gene: DMD (dystrophin; minus strand). Cytogenetic location: Xp21.1.
Variant type: single nucleotide variant.
Coding change: c.3074T>C on transcript NM_004006.3 (MANE Select); coding-DNA position 3074, T replaced by C.
Protein change: p.Ile1025Thr; replaces isoleucine 1025 with threonine.
Molecular consequence: missense variant.
Genome position (GRCh38, 1-based): chrX:32,468,586, A>G on the plus strand (T>C on the coding strand, the complement: DMD is on the minus strand). VCF-style: chrX-32468586-A-G. GRCh37 (hg19) VCF-style: chrX-32486703-A-G.
Other names: c.3050T>C, p.Ile1017Thr (NM_000109.4); c.3062T>C, p.Ile1021Thr (NM_004009.3); c.2705T>C, p.Ile902Thr (NM_004010.3); short protein forms I1017T, I902T, I1021T, I1025T.
Identifiers: ClinVar variation 1443711 (VCV001443711.10), dbSNP rs376163041, ClinGen allele CA328004752.
Genomic context (GRCh38, chrX:32,468,586, plus strand): 5'-TCCTCTAGCTTTTGACAATGCTCAACCAGCTGGGAGGAGAGCTTCTTCCAGCGTCCCTCA[A>G]TTTCTTCAAATTCTGATTGATATTTCCGGCTAATTTCAGAGGGCGCTTTCTTCGACATCT-3'
Protein context (NP_003997.2, residues 1015-1035): SRKYQSEFEE[Ile1025Thr]EGRWKKLSSQ

ClinVar aggregate classification (germline): Uncertain significance. Review status: criteria provided, multiple submitters, no conflicts (2 of 4 stars). 2 submissions from 2 submitters: Uncertain significance (2). Last evaluated 2026-01-01.

Conditions:
Duchenne muscular dystrophy (DMD). Also called: Duchenne Muscular Dystrophy (DMD); MUSCULAR DYSTROPHY, PSEUDOHYPERTROPHIC PROGRESSIVE, DUCHENNE TYPE. Identifiers: Orphanet 98896, MedGen C0013264, MONDO:0010679, OMIM 310200.
Cardiovascular phenotype. Identifiers: MedGen CN230736.

Allele frequency attached by ClinVar (database versions not stated): gnomAD exomes below 0.00001.
gnomAD v4.1: 2 of 1,210,663 alleles (0.00017%); highest among the groups gnomAD compares: Non-Finnish European, 0.00011%; no homozygotes.

Submissions (2):

Labcorp Genetics (formerly Invitae), Labcorp
Classification: Uncertain significance for Duchenne muscular dystrophy. Last evaluated: 2026-01-01. Review status: criteria provided, single submitter. Criteria: Invitae Variant Classification Sherloc (09022015). Collection method: clinical testing. Allele origin: germline.
Comment: This sequence change replaces isoleucine, which is neutral and non-polar, with threonine, which is neutral and polar, at codon 1025 of the DMD protein (p.Ile1025Thr). This variant is not present in population databases (gnomAD no frequency). This variant has not been reported in the literature in individuals affected with DMD-related conditions. ClinVar contains an entry for this variant (Variation ID: 1443711). Invitae Evidence Modeling of protein sequence and biophysical properties (such as structural, functional, and spatial information, amino acid conservation, physicochemical variation, residue mobility, and thermodynamic stability) indicates that this missense variant is not expected to disrupt DMD protein function with a negative predictive value of 95%. In summary, the available evidence is currently insufficient to determine the role of this variant in disease. Therefore, it has been classified as a Variant of Uncertain Significance.

Ambry Genetics
Classification: Uncertain significance for Cardiovascular phenotype. Last evaluated: 2023-10-11. Review status: criteria provided, single submitter. Criteria: Ambry Variant Classification Scheme 2023. Collection method: clinical testing. Allele origin: germline.
Comment: The p.I1025T variant (also known as c.3074T>C), located in coding exon 23 of the DMD gene, results from a T to C substitution at nucleotide position 3074. The isoleucine at codon 1025 is replaced by threonine, an amino acid with similar properties. This amino acid position is not well conserved in available vertebrate species. In addition, this alteration is predicted to be tolerated by in silico analysis. Since supporting evidence is limited at this time, the clinical significance of this alteration remains unclear.